The following is an entry in ClinVar:

NM_001844.5(COL2A1):c.2452C>T (p.Arg818Cys)

Gene: COL2A1 (collagen type II alpha 1 chain; minus strand). Cytogenetic location: 12q13.11.
Variant type: single nucleotide variant.
Coding change: c.2452C>T on transcript NM_001844.5 (MANE Select); coding-DNA position 2452, C replaced by T.
Protein change: p.Arg818Cys; replaces arginine 818 with cysteine.
Molecular consequence: missense variant.
Genome position (GRCh38, 1-based): chr12:47,981,354, G>A on the plus strand (C>T on the coding strand, the complement: COL2A1 is on the minus strand). VCF-style: chr12-47981354-G-A. GRCh37 (hg19) VCF-style: chr12-48375137-G-A.
Other names: c.2245C>T, p.Arg749Cys (NM_033150.3); short protein forms R818C, R749C.
Identifiers: ClinVar variation 1035836 (VCV001035836.14), dbSNP rs1345434851, ClinGen allele CA384545172.
Genomic context (GRCh38, chr12:47,981,354, plus strand): 5'-GTTCCCAGGGGCCTCGGGCAGAGCCAGGCTCAGAGGGGCAGACACTCACCGGAGCGCCAC[G>A]AGCACCAGCACTTCCTGCAGGACCAGGAGGTCCAACTTCTCCCTGAGGGTGGGGAAGGGA-3'
Protein context (NP_001835.3, residues 808-828): PPGPAGSAGA[Arg818Cys]GAPGERGETG

ClinVar aggregate classification (germline): Uncertain significance. Review status: criteria provided, multiple submitters, no conflicts (2 of 4 stars). 4 submissions from 4 submitters: Uncertain significance (4). Last evaluated 2026-07-14.

Conditions:
COL2A1-related disorder. Also called: COL2A1-related condition; COL2A1-related disorders.
Monogenic hearing loss.

Allele frequency attached by ClinVar (database versions not stated): gnomAD exomes 0.00001.
gnomAD v4.1: 10 of 1,612,942 alleles (0.00062%); highest among the groups gnomAD compares: African/African-American, 0.0027%; no homozygotes.

Submissions (4):

Genetics Laboratory, Great Ormond Street Hospital NHS Foundation Trust, North Thames Genomic Laboratory Hub
Classification: Uncertain significance for Monogenic hearing loss. Last evaluated: 2026-07-14. Review status: criteria provided, single submitter. Criteria: ACGS Best Practice Guidelines for Variant Classification in Rare Disease 2024 v1.2. Collection method: clinical testing. Allele origin: germline. Affected: yes.
Comment: PS4_supporting, PM2_moderate, PP3_supporting

PreventionGenetics, part of Exact Sciences
Classification: Uncertain significance for COL2A1-related condition. Last evaluated: 2026-03-06. Review status: criteria provided, single submitter. Criteria: ACMG Guidelines, 2015. Collection method: clinical testing. Allele origin: germline.
Comment: The COL2A1 c.2452C>T variant is predicted to result in the amino acid substitution p.Arg818Cys. To our knowledge, this variant has not been reported in the literature or in a large population database, indicating this variant is rare. Another variant affecting the same amino acid position, c.2453G>C, p.(Arg818Pro), has been reported in the heterozygous state in an individual with short stature (Cavarzere et al. 2024. PubMed ID: 38087044); however, this individual also had another variant in COL10A1 gene. At this time, the clinical significance of this p.(Arg818Cys) variant is uncertain due to the absence of conclusive functional and genetic evidence.

GeneDx
Classification: Uncertain significance. Last evaluated: 2025-05-24. Review status: criteria provided, single submitter. Criteria: GeneDx Variant Classification Process June 2021. Collection method: clinical testing. Allele origin: germline. Affected: yes.
Comment: Has not been previously published as pathogenic or benign to our knowledge; In silico analysis supports that this missense variant has a deleterious effect on protein structure/function; Other missense variants that introduce a cysteine residue in the triple helical domain have been reported in association with COL2A1-related conditions (HGMD)

Labcorp Genetics (formerly Invitae), Labcorp
Classification: Uncertain significance. Last evaluated: 2020-11-17. Review status: criteria provided, single submitter. Criteria: Invitae Variant Classification Sherloc (09022015). Collection method: clinical testing. Allele origin: germline.
Comment: This sequence change replaces arginine with cysteine at codon 818 of the COL2A1 protein (p.Arg818Cys). The arginine residue is highly conserved and there is a large physicochemical difference between arginine and cysteine. This variant is not present in population databases (ExAC no frequency). This variant has not been reported in the literature in individuals with COL2A1-related disease. Algorithms developed to predict the effect of missense changes on protein structure and function (SIFT, PolyPhen-2, Align-GVGD) all suggest that this variant is likely to be disruptive, but these predictions have not been confirmed by published functional studies and their clinical significance is uncertain. In summary, the available evidence is currently insufficient to determine the role of this variant in disease. Therefore, it has been classified as a Variant of Uncertain Significance.